The following is an entry in ClinVar:

ClinVar aggregate classification (germline): Uncertain significance. Review status: criteria provided, single submitter (1 of 4 stars). 2 submissions from 2 submitters: Uncertain significance (1). 1 of the submissions does not count toward it. Last evaluated 2024-07-15.

Conditions:
Emery-Dreifuss muscular dystrophy 4, autosomal dominant (EDMD4). Also called: EMERY-DREIFUSS MUSCULAR DYSTROPHY 4 WITH VARIABLE FEATURES. Identifiers: Orphanet 261, MedGen C2751807, MONDO:0013071, OMIM 612998.

gnomAD v4.1: 4 of 1,614,060 alleles (0.00025%); highest among the groups gnomAD compares: Non-Finnish European, 0.00034%; no homozygotes.

Submissions (2):

Athena Diagnostics
Classification: Uncertain significance. Last evaluated: 2024-07-15. Review status: criteria provided, single submitter. Criteria: Athena Diagnostics Criteria. Collection method: clinical testing. Allele origin: unknown.
Comment: Available data are insufficient to determine the clinical significance of the variant at this time. The frequency of this variant in the general population is uninformative in assessment of its pathogenicity. Polyphen and MutationTaster yielded discordant predictions regarding whether this amino acid change is damaging to the protein.

Clinical Genetics Laboratory, University Hospital Schleswig-Holstein
Classification: Uncertain significance for Emery-Dreifuss muscular dystrophy 4, autosomal dominant. Last evaluated: 2024-08-06. Review status: no assertion criteria provided. Collection method: clinical testing. Allele origin: germline. Affected: yes. Not counted in ClinVar's aggregate classification.

NM_182961.4(SYNE1):c.20035A>G (p.Lys6679Glu)

Gene: SYNE1 (spectrin repeat containing nuclear envelope protein 1; minus strand). Cytogenetic location: 6q25.2.
Variant type: single nucleotide variant.
Coding change: c.20035A>G on transcript NM_182961.4 (MANE Select); coding-DNA position 20035, A replaced by G.
Protein change: p.Lys6679Glu; replaces lysine 6679 with glutamic acid.
Molecular consequence: missense variant.
Genome position (GRCh38, 1-based): chr6:152,239,565, T>C on the plus strand (A>G on the coding strand, the complement: SYNE1 is on the minus strand). VCF-style: chr6-152239565-T-C. GRCh37 (hg19) VCF-style: chr6-152560700-T-C.
Other names: c.19822A>G, p.Lys6608Glu (NM_033071.5); short protein forms K6608E, K6679E.
Identifiers: ClinVar variation 3571837 (VCV003571837.2).